The following is an entry in ClinVar:

NM_001308093.3(GATA4):c.547C>A (p.Pro183Thr)

Gene: GATA4 (GATA binding protein 4). Cytogenetic location: 8p23.1.
Variant type: single nucleotide variant.
Coding change: c.547C>A on transcript NM_001308093.3 (MANE Select); coding-DNA position 547, C replaced by A.
Protein change: p.Pro183Thr; replaces proline 183 with threonine.
Molecular consequence: missense variant. On other transcripts: intron variant (3).
Genome position (GRCh38, 1-based): chr8:11,708,859, C>A. VCF-style: chr8-11708859-C-A. GRCh37 (hg19) VCF-style: chr8-11566368-C-A.
Other names: c.547C>A, p.Pro183Thr (NM_002052.5); c.-6+8081C>A (NM_001308094.2); c.-3+845C>A (NM_001374274.1); c.-3+4555C>A (NM_001374273.1); short protein forms P183T.
Identifiers: ClinVar variation 4709980 (VCV004709980.1).
Genomic context (GRCh38, chr8:11,708,859, plus strand): 5'-CCGGCTTACATGGCCGACGTGGGCGCGTCCTGGGCCGCAGCCGCCGCCGCCTCCGCCGGC[C>A]CCTTCGACAGCCCGGTCCTGCACAGCCTGCCCGGCCGGGCCAACCCGGCCGCCCGACACC-3'
Protein context (NP_001295022.1, residues 173-193): WAAAAAASAG[Pro183Thr]FDSPVLHSLP

ClinVar aggregate classification (germline): Uncertain significance (1 of 4 stars; one submission).

Conditions:
Atrioventricular septal defect 4 (AVSD4). Identifiers: MedGen C3280781, MONDO:0013747, OMIM 614430.

Submission:

Labcorp Genetics (formerly Invitae), Labcorp
Classification: Uncertain significance for Atrioventricular septal defect 4. Last evaluated: 2025-12-21. Review status: criteria provided, single submitter. Criteria: Invitae Variant Classification Sherloc (09022015). Collection method: clinical testing. Allele origin: germline.
Comment: This sequence change replaces proline, which is neutral and non-polar, with threonine, which is neutral and polar, at codon 183 of the GATA4 protein (p.Pro183Thr). This variant is not present in population databases (gnomAD no frequency). This variant has not been reported in the literature in individuals affected with GATA4-related conditions. Invitae Evidence Modeling of protein sequence and biophysical properties (such as structural, functional, and spatial information, amino acid conservation, physicochemical variation, residue mobility, and thermodynamic stability) has been performed for this missense variant. However, the output from this modeling did not meet the statistical confidence thresholds required to predict the impact of this variant on GATA4 protein function. In summary, the available evidence is currently insufficient to determine the role of this variant in disease. Therefore, it has been classified as a Variant of Uncertain Significance.